The following is an entry in ClinVar:

ClinVar aggregate classification (germline): Benign/Likely benign. Review status: criteria provided, multiple submitters, no conflicts (2 of 4 stars). 3 submissions from 3 submitters: Benign (1); Likely benign (2). Last evaluated 2026-09-01.

Allele frequency attached by ClinVar (database versions not stated): 1000 Genomes Project 30x 0.00141; 1000 Genomes Project 0.00160; TOPMed 0.00298; gnomAD 0.00346; ESP Exome Variant Server 0.00446.
gnomAD v4.1: 7,668 of 1,609,468 alleles (0.48%); highest among the groups gnomAD compares: Non-Finnish European, 0.6%; 22 homozygotes.

Submissions (3):

CeGaT Center for Human Genetics Tuebingen
Classification: Likely benign. Last evaluated: 2026-09-01. Review status: criteria provided, single submitter. Criteria: CeGaT Center For Human Genetics Tuebingen Variant Classification Criteria Version 2. Collection method: clinical testing. Allele origin: germline. Affected: yes. Observed: 24 variant alleles.
Comment: XPC: BS2

Labcorp Genetics (formerly Invitae), Labcorp
Classification: Benign. Last evaluated: 2026-02-04. Review status: criteria provided, single submitter. Criteria: Invitae Variant Classification Sherloc (09022015). Collection method: clinical testing. Allele origin: germline.

Blueprint Genetics
Classification: Likely benign. Last evaluated: 2024-11-21. Review status: criteria provided, single submitter. Criteria: ACMG Guidelines, 2015. Collection method: clinical testing. Allele origin: germline.

NM_004628.5(XPC):c.2115+17G>T

Gene: XPC (XPC complex subunit, DNA damage recognition and repair factor; minus strand). Cytogenetic location: 3p25.1.
Variant type: single nucleotide variant.
Coding change: c.2115+17G>T on transcript NM_004628.5 (MANE Select); 17 bases into the intron after coding-DNA position 2115, G replaced by T.
Molecular consequence: intron variant.
Genome position (GRCh38, 1-based): chr3:14,152,318, C>A on the plus strand (G>T on the coding strand, the complement: XPC is on the minus strand). VCF-style: chr3-14152318-C-A. GRCh37 (hg19) VCF-style: chr3-14193818-C-A.
Other names: c.2097+17G>T (NM_001354729.2); c.1536+17G>T (NM_001354726.2); c.1869+17G>T (NM_001354730.2); c.2109+17G>T (NM_001354727.2).
Identifiers: ClinVar variation 2164113 (VCV002164113.21), dbSNP rs71306081, ClinGen allele CA2267265.